The following is an entry in ClinVar:

ClinVar aggregate classification (germline): Uncertain significance. Review status: criteria provided, multiple submitters, no conflicts (2 of 4 stars). 4 submissions from 4 submitters: Uncertain significance (3). 1 of the submissions does not count toward it. Last evaluated 2025-10-06.

Conditions:
Bardet-Biedl syndrome 9 (BBS9). Identifiers: Orphanet 110, MedGen C1859567, MONDO:0014437, OMIM 615986.
Bardet-Biedl syndrome (BBS). Identifiers: Orphanet 110, MedGen C0752166, MONDO:0015229.
BBS9-related disorder. Also called: BBS9-related condition.
Inborn genetic diseases. Identifiers: MedGen C0950123, MeSH D030342.

Allele frequency attached by ClinVar (database versions not stated): ExAC 0.00001; gnomAD exomes 0.00001; ESP Exome Variant Server 0.00008.
gnomAD v4.1: 16 of 1,610,434 alleles (0.00099%); highest among the groups gnomAD compares: Middle Eastern, 0.016%; no homozygotes.

Submissions (4):

Labcorp Genetics (formerly Invitae), Labcorp
Classification: Uncertain significance for Bardet-Biedl syndrome. Last evaluated: 2025-10-06. Review status: criteria provided, single submitter. Criteria: Invitae Variant Classification Sherloc (09022015). Collection method: clinical testing. Allele origin: germline.
Comment: This sequence change replaces isoleucine, which is neutral and non-polar, with valine, which is neutral and non-polar, at codon 314 of the BBS9 protein (p.Ile314Val). This variant is present in population databases (rs372698195, gnomAD 0.0009%). This variant has not been reported in the literature in individuals affected with BBS9-related conditions. ClinVar contains an entry for this variant (Variation ID: 2162534). Invitae Evidence Modeling of protein sequence and biophysical properties (such as structural, functional, and spatial information, amino acid conservation, physicochemical variation, residue mobility, and thermodynamic stability) indicates that this missense variant is not expected to disrupt BBS9 protein function with a negative predictive value of 80%. In summary, the available evidence is currently insufficient to determine the role of this variant in disease. Therefore, it has been classified as a Variant of Uncertain Significance.

Ambry Genetics
Classification: Uncertain significance for Inborn genetic diseases. Last evaluated: 2025-08-29. Review status: criteria provided, single submitter. Criteria: Ambry Variant Classification Scheme 2023. Collection method: clinical testing. Allele origin: germline.

Fulgent Genetics
Classification: Uncertain significance for Bardet-Biedl syndrome 9. Last evaluated: 2024-04-02. Review status: criteria provided, single submitter. Criteria: ACMG Guidelines, 2015. Collection method: clinical testing. Allele origin: germline.

PreventionGenetics, part of Exact Sciences
Classification: Uncertain significance for BBS9-related condition. Last evaluated: 2024-09-12. Review status: no assertion criteria provided. Collection method: clinical testing. Allele origin: germline. Not counted in ClinVar's aggregate classification.
Comment: The BBS9 c.940A>G variant is predicted to result in the amino acid substitution p.Ile314Val. To our knowledge, this variant has not been reported in the literature. This variant is reported in 0.00088% of alleles in individuals of European (Non-Finnish) descent in gnomAD. At this time, the clinical significance of this variant is uncertain due to the absence of conclusive functional and genetic evidence.

NM_198428.3(BBS9):c.940A>G (p.Ile314Val)

Gene: BBS9 (Bardet-Biedl syndrome 9; plus strand). Cytogenetic location: 7p14.3.
Variant type: single nucleotide variant.
Coding change: c.940A>G on transcript NM_198428.3 (MANE Select); coding-DNA position 940, A replaced by G.
Protein change: p.Ile314Val; replaces isoleucine 314 with valine.
Molecular consequence: missense variant. On other transcripts: non-coding transcript variant (3).
Genome position (GRCh38, 1-based): chr7:33,273,880, A>G. VCF-style: chr7-33273880-A-G. GRCh37 (hg19) VCF-style: chr7-33313492-A-G.
Other names: c.940A>G (NM_198428.2); c.940A>G, p.Ile314Val (NM_001033604.2, NM_001033605.2, NM_001348036.1 and 7 more transcripts); c.574A>G, p.Ile192Val (NM_001348037.3, NM_001348044.3, NM_001348045.3 and 1 more transcripts); c.667A>G, p.Ile223Val (NM_001348038.3, NM_001348039.3); c.805A>G, p.Ile269Val (NM_001348042.3); short protein forms I192V, I223V, I269V, I314V.
Identifiers: ClinVar variation 2162534 (VCV002162534.6), dbSNP rs372698195, ClinGen allele CA4214150.